The following is an entry in ClinVar:

NM_000834.5(GRIN2B):c.3146A>G (p.Tyr1049Cys)

Gene: GRIN2B (glutamate ionotropic receptor NMDA type subunit 2B; minus strand). Cytogenetic location: 12p13.1.
Variant type: single nucleotide variant.
Coding change: c.3146A>G on transcript NM_000834.5 (MANE Select); coding-DNA position 3146, A replaced by G.
Protein change: p.Tyr1049Cys; replaces tyrosine 1049 with cysteine.
Molecular consequence: missense variant.
Genome position (GRCh38, 1-based): chr12:13,564,092, T>C on the plus strand (A>G on the coding strand, the complement: GRIN2B is on the minus strand). VCF-style: chr12-13564092-T-C. GRCh37 (hg19) VCF-style: chr12-13717026-T-C.
Other names: short protein forms Y1049C.
Identifiers: ClinVar variation 477996 (VCV000477996.12), dbSNP rs201866998, ClinGen allele CA233134008.

ClinVar aggregate classification (germline): Conflicting classifications of pathogenicity. Review status: criteria provided, conflicting classifications (1 of 4 stars). 2 submissions from 2 submitters: Uncertain significance (1); Likely benign (1). Last evaluated 2025-06-16.

Conditions:
Developmental and epileptic encephalopathy, 27 (DEE27). Also called: GRIN2B-Related Neurodevelopmental Disorder; Epileptic encephalopathy, early infantile, 27. Identifiers: Orphanet 3451, MedGen C4015316, MONDO:0014505, OMIM 616139.
Intellectual developmental disorder, autosomal dominant 6, with or without seizures. Also called: GRIN2B-related developmental delay, intellectual disability and autism spectrum disorder; Intellectual disability, autosomal dominant 6. Identifiers: Orphanet 589547, MedGen C3151411, MONDO:0013509, OMIM 613970.

Allele frequency attached by ClinVar (database versions not stated): TOPMed 0.00001; gnomAD exomes below 0.00001.
gnomAD v4.1: 2 of 1,614,156 alleles (0.00012%); highest among the groups gnomAD compares: African/African-American, 0.0027%; no homozygotes.

Submissions (2):

Labcorp Genetics (formerly Invitae), Labcorp
Classification: Likely benign for Developmental and epileptic encephalopathy, 27; Intellectual developmental disorder, autosomal dominant 6, with or without seizures. Last evaluated: 2025-06-16. Review status: criteria provided, single submitter. Criteria: Invitae Variant Classification Sherloc (09022015). Collection method: clinical testing. Allele origin: germline.

GeneDx
Classification: Uncertain significance. Last evaluated: 2022-07-29. Review status: criteria provided, single submitter. Criteria: GeneDx Variant Classification Process June 2021. Collection method: clinical testing. Allele origin: germline. Affected: yes.
Comment: In silico analysis supports that this missense variant has a deleterious effect on protein structure/function; Has not been previously published as pathogenic or benign to our knowledge